The following is an entry in ClinVar:

NM_001040142.2(SCN2A):c.3190G>T (p.Asp1064Tyr)

Gene: SCN2A (sodium voltage-gated channel alpha subunit 2; plus strand). Cytogenetic location: 2q24.3.
Variant type: single nucleotide variant.
Coding change: c.3190G>T on transcript NM_001040142.2 (MANE Select); coding-DNA position 3190, G replaced by T.
Protein change: p.Asp1064Tyr; replaces aspartic acid 1064 with tyrosine.
Molecular consequence: missense variant.
Genome position (GRCh38, 1-based): chr2:165,354,462, G>T. VCF-style: chr2-165354462-G-T. GRCh37 (hg19) VCF-style: chr2-166210972-G-T.
Other names: p.D1064Y:GAC>TAC; c.3190G>T, p.Asp1064Tyr (NM_001040143.2, NM_001371246.1, NM_001371247.1 and 1 more transcripts); short protein forms D1064Y.
Identifiers: ClinVar variation 206982 (VCV000206982.11), dbSNP rs769395683, ClinGen allele CA317912.

ClinVar aggregate classification (germline): Uncertain significance. Review status: criteria provided, multiple submitters, no conflicts (2 of 4 stars). 3 submissions from 3 submitters: Uncertain significance (3). Last evaluated 2023-12-23.

Conditions:
Seizures, benign familial infantile, 3 (BFIS3). Also called: CONVULSIONS, BENIGN FAMILIAL INFANTILE, 3; Familial neonatal seizures. Identifiers: Orphanet 140927, Orphanet 306, MedGen C1843140, MONDO:0011904, OMIM 607745.
Developmental and epileptic encephalopathy, 11 (DEE11). Also called: Early infantile epileptic encephalopathy 11. Identifiers: Orphanet 1934, MedGen C3150987, MONDO:0013388, OMIM 613721.

Allele frequency attached by ClinVar (database versions not stated): TOPMed below 0.00001; gnomAD 0.00001; ExAC 0.00002; gnomAD exomes 0.00002 and below 0.00001.
gnomAD v4.1: 7 of 1,613,946 alleles (0.00043%); highest among the groups gnomAD compares: Admixed American, 0.0083%; no homozygotes.

Submissions (3):

Labcorp Genetics (formerly Invitae), Labcorp
Classification: Uncertain significance for Seizures, benign familial infantile, 3; Developmental and epileptic encephalopathy, 11. Last evaluated: 2023-12-23. Review status: criteria provided, single submitter. Criteria: Invitae Variant Classification Sherloc (09022015). Collection method: clinical testing. Allele origin: germline.
Comment: This sequence change replaces aspartic acid, which is acidic and polar, with tyrosine, which is neutral and polar, at codon 1064 of the SCN2A protein (p.Asp1064Tyr). This variant is present in population databases (rs769395683, gnomAD 0.01%). This variant has not been reported in the literature in individuals affected with SCN2A-related conditions. ClinVar contains an entry for this variant (Variation ID: 206982). Advanced modeling of protein sequence and biophysical properties (such as structural, functional, and spatial information, amino acid conservation, physicochemical variation, residue mobility, and thermodynamic stability) performed at Invitae indicates that this missense variant is expected to disrupt SCN2A protein function with a positive predictive value of 95%. In summary, the available evidence is currently insufficient to determine the role of this variant in disease. Therefore, it has been classified as a Variant of Uncertain Significance.

Fulgent Genetics
Classification: Uncertain significance for Seizures, benign familial infantile, 3; Developmental and epileptic encephalopathy, 11. Last evaluated: 2018-10-31. Review status: criteria provided, single submitter. Criteria: ACMG Guidelines, 2015. Collection method: clinical testing. Allele origin: unknown.

GeneDx
Classification: Uncertain significance. Last evaluated: 2015-05-12. Review status: criteria provided, single submitter. Criteria: GeneDx Variant Classification (06012015). Collection method: clinical testing. Allele origin: germline. Affected: yes.
Comment: The Asp1064Tyr missense change has not been published as a mutation, nor has it been reported as a benign polymorphism to our knowledge. The NHLBI ESP Exome Variant Project has not identified Asp1064Tyr in approximately 6,500 individuals of European or African American ethnicity, indicating that it is not a common benign variant in these populations. The amino acid substitution is non-conservative as a negatively charged Aspartic acid residue is replaced by an uncharged Tyrosine residue. In addition, Asp1064Tyr alters a position that is conserved in mammals, and is within the intracellular loop between the second and third transmembrane domain of the SCN2A protein where other missense mutations have been published in association with neonatal-infantile seizures (Berkovic et al., 2004; Ogiwara et al., 2009). However, in-silico algorithms are not consistent in their predictions as to whether Asp1064Tyr is damaging to the structure/function of the protein. Therefore, based on the currently available information, it is unclear whether Asp1064Tyr is a disease-causing mutation or a rare benign variant. The variant is found in CHILD-EPI panel(s).